The following is an entry in ClinVar:

NM_018406.7(MUC4):c.7953A>C (p.Thr2651=)

Gene: MUC4 (mucin 4, cell surface associated). Cytogenetic location: 3q29.
Variant type: single nucleotide variant.
Coding change: c.7953A>C on transcript NM_018406.7 (MANE Select); coding-DNA position 7953, A replaced by C.
Protein change: p.Thr2651=; no amino-acid change (threonine 2651 retained).
Molecular consequence: synonymous variant. On other transcripts: intron variant (2).
Genome position (GRCh38, 1-based): chr3:195,783,627, T>G on the plus strand (A>C on the coding strand, the complement: MUC4 is on the minus strand). VCF-style: chr3-195783627-T-G. GRCh37 (hg19) VCF-style: chr3-195510498-T-G.
Other names: c.83-9322A>C (NM_138297.5); c.83-5172A>C (NM_004532.6).
Identifiers: ClinVar variation 4821828 (VCV004821828.4).

ClinVar aggregate classification (germline): Likely benign (1 of 4 stars; one submission).

Submission:

CeGaT Center for Human Genetics Tuebingen
Classification: Likely benign. Last evaluated: 2026-01-01. Review status: criteria provided, single submitter. Criteria: CeGaT Center For Human Genetics Tuebingen Variant Classification Criteria Version 2. Collection method: clinical testing. Allele origin: germline. Affected: yes. Observed: 1 variant allele.
Comment: MUC4: PM2:Supporting, BP4, BP7